The following is an entry in ClinVar:

ClinVar aggregate classification (germline): Uncertain significance (1 of 4 stars; one submission).

Allele frequency attached by ClinVar (database versions not stated): TOPMed 0.00001.
gnomAD v4.1: 1 of 1,614,152 alleles (0.000062%); highest among the groups gnomAD compares: Non-Finnish European, 0.000085%; no homozygotes.

Submission:

Ambry Genetics
Classification: Uncertain significance. Last evaluated: 2022-02-22. Review status: criteria provided, single submitter. Criteria: Ambry Variant Classification Scheme 2023. Collection method: clinical testing. Allele origin: germline.
Comment: The p.N1080H variant (also known as c.3238A>C), located in coding exon 17 of the NPAT gene, results from an A to C substitution at nucleotide position 3238. The asparagine at codon 1080 is replaced by histidine, an amino acid with similar properties. This amino acid position is conserved. In addition, this alteration is predicted to be tolerated by in silico analysis. Since supporting evidence is limited at this time, the clinical significance of this alteration remains unclear.

NM_002519.3(NPAT):c.3238A>C (p.Asn1080His)

Gene: NPAT (nuclear protein, coactivator of histone transcription; minus strand). Cytogenetic location: 11q22.3.
Variant type: single nucleotide variant.
Coding change: c.3238A>C on transcript NM_002519.3 (MANE Select); coding-DNA position 3238, A replaced by C.
Protein change: p.Asn1080His; replaces asparagine 1080 with histidine.
Molecular consequence: missense variant.
Genome position (GRCh38, 1-based): chr11:108,161,848, T>G on the plus strand (A>C on the coding strand, the complement: NPAT is on the minus strand). VCF-style: chr11-108161848-T-G. GRCh37 (hg19) VCF-style: chr11-108032575-T-G.
Other names: c.3259A>C, p.Asn1087His (NM_001321307.1); short protein forms N1080H, N1087H.
Identifiers: ClinVar variation 1729254 (VCV001729254.2), dbSNP rs368693876, ClinGen allele CA6263612.